The following is an entry in ClinVar:

NM_004656.4(BAP1):c.1911G>T (p.Lys637Asn)

Gene: BAP1 (BRCA1 associated deubiquitinase 1; minus strand). Cytogenetic location: 3p21.1.
Variant type: single nucleotide variant.
Coding change: c.1911G>T on transcript NM_004656.4 (MANE Select); coding-DNA position 1911, G replaced by T.
Protein change: p.Lys637Asn; replaces lysine 637 with asparagine.
Molecular consequence: missense variant.
Genome position (GRCh38, 1-based): chr3:52,402,851, C>A on the plus strand (G>T on the coding strand, the complement: BAP1 is on the minus strand). VCF-style: chr3-52402851-C-A. GRCh37 (hg19) VCF-style: chr3-52436867-C-A.
Other names: c.1857G>T, p.Lys619Asn (NM_001410772.1); short protein forms K619N, K637N.
Identifiers: ClinVar variation 4867367 (VCV004867367.1).
Genomic context (GRCh38, chr3:52,402,851, plus strand): 5'-CCTCTTCTCTACCTCCTCCTTGAGGCACGCCTCATAGTTTGCAATCTCAGCCTCCACACA[C>A]TTCAGCAGTGCCAGCAGCTCCTGCCAAAACCCAGCATTGCACCTCTGATCGGGGCGGGCC-3'
Protein context (NP_004647.1, residues 627-647): YSPKELLALL[Lys637Asn]CVEAEIANYE

ClinVar aggregate classification (germline): Uncertain significance (1 of 4 stars; one submission).

Conditions:
Hereditary cancer-predisposing syndrome. Also called: Neoplastic Syndromes, Hereditary; Tumor predisposition; Hereditary Cancer Syndrome; Hereditary neoplastic syndrome. Identifiers: Orphanet 140162, MedGen C0027672, MeSH D009386, MONDO:0015356.

Submission:

Ambry Genetics
Classification: Uncertain significance for Hereditary cancer-predisposing syndrome. Last evaluated: 2026-05-24. Review status: criteria provided, single submitter. Criteria: Ambry Variant Classification Scheme 2023. Collection method: clinical testing. Allele origin: germline.
Comment: The p.K637N variant (also known as c.1911G>T), located in coding exon 15 of the BAP1 gene, results from a G to T substitution at nucleotide position 1911. The lysine at codon 637 is replaced by asparagine, an amino acid with similar properties. This amino acid position is conserved. In addition, this alteration is predicted to be tolerated by in silico analysis. Based on the available evidence, the clinical significance of this variant remains unclear.